The following is an entry in ClinVar:

ClinVar aggregate classification (germline): Uncertain significance (0 of 4 stars; one submission).

Allele frequency attached by ClinVar (database versions not stated): gnomAD exomes below 0.00001; ExAC 0.00001.
gnomAD v4.1: 1 of 1,614,058 alleles (0.000062%); highest among the groups gnomAD compares: Non-Finnish European, 0.000085%; no homozygotes.

Submission:

Department of Pathology and Laboratory Medicine, Sinai Health System
Classification: Uncertain significance. Review status: no assertion criteria provided. Collection method: clinical testing. Allele origin: unknown. Affected: yes. Study: The Canadian Open Genetics Repository (COGR).
Comment: The SPTBN2 p.Thr64Ala variant was not identified in the literature nor was it identified in ClinVar, Cosmic or LOVD 3.0. The variant was identified in dbSNP (ID: rs769557138) and was also found in control databases in 1 of 251412 chromosomes at a frequency of 0.000004 (Genome Aggregation Database Feb 27, 2017), in the following populations: European (non-Finnish) in 1 of 113698 chromosomes (freq: 0.000009), while the variant was not observed in the African, Latino, Ashkenazi Jewish, East Asian, European (Finnish), Other and South Asian populations. The variant occurs outside of the splicing consensus sequence and in silico or computational prediction software programs (SpliceSiteFinder, MaxEntScan, NNSPLICE, GeneSplicer) do not predict a difference in splicing. The p.Thr64 residue is conserved across mammals and other organisms, and four out of five computational analyses (PolyPhen-2, SIFT, AlignGVGD, MutationTaster) suggest that the T variant may impact the protein; however, this information is not predictive enough to assume pathogenicity. In summary, based on the above information the clinical significance of this variant cannot be determined with certainty at this time. This variant is classified as a variant of uncertain significance.

NM_006946.4(SPTBN2):c.190A>G (p.Thr64Ala)

Gene: SPTBN2 (spectrin beta, non-erythrocytic 2; minus strand). Cytogenetic location: 11q13.2.
Variant type: single nucleotide variant.
Coding change: c.190A>G on transcript NM_006946.4 (MANE Select); coding-DNA position 190, A replaced by G.
Protein change: p.Thr64Ala; replaces threonine 64 with alanine.
Molecular consequence: missense variant.
Genome position (GRCh38, 1-based): chr11:66,715,949, T>C on the plus strand (A>G on the coding strand, the complement: SPTBN2 is on the minus strand). VCF-style: chr11-66715949-T-C. GRCh37 (hg19) VCF-style: chr11-66483420-T-C.
Other names: short protein forms T64A.
Identifiers: ClinVar variation 1049128 (VCV001049128.1), dbSNP rs769557138, ClinGen allele CA6129743.
Genomic context (GRCh38, chr11:66,715,949, plus strand): 5'-CGCTGTACAGGTCCCCCACCCGGCACGTGACCCGGGCCAGGTGCGAGTTTACCCACTTGG[T>C]GAAGGTTTTCTTCTGCACAGCTTCTCGTTCATCTGTGGTGGCAACATGGGTTTATTTCTG-3'
Protein context (NP_008877.2, residues 54-74): EREAVQKKTF[Thr64Ala]KWVNSHLARV